The following is an entry in ClinVar:

ClinVar aggregate classification (germline): Uncertain significance. Review status: criteria provided, multiple submitters, no conflicts (2 of 4 stars). 2 submissions from 2 submitters: Uncertain significance (2). Last evaluated 2025-08-20.

Conditions:
Medium-chain acyl-coenzyme A dehydrogenase deficiency (ACADMD). Also called: Medium chain acyl-CoA dehydrogenase deficiency; MCADH DEFICIENCY; MCADD; ACADM DEFICIENCY; MCAD Deficiency; CARNITINE DEFICIENCY SECONDARY TO MEDIUM-CHAIN ACYL-CoA DEHYDROGENASE DEFICIENCY. Identifiers: Orphanet 42, MedGen C0220710, MONDO:0008721, OMIM 201450.
Inborn genetic diseases. Identifiers: MedGen C0950123, MeSH D030342.

Allele frequency attached by ClinVar (database versions not stated): gnomAD exomes below 0.00001; TOPMed below 0.00001; ExAC 0.00001; gnomAD 0.00001; ESP Exome Variant Server 0.00008.
gnomAD v4.1: 2 of 1,522,426 alleles (0.00013%); highest among the groups gnomAD compares: African/African-American, 0.0014%; no homozygotes.

Submissions (2):

Ambry Genetics
Classification: Uncertain significance for Inborn genetic diseases. Last evaluated: 2025-08-20. Review status: criteria provided, single submitter. Criteria: Ambry Variant Classification Scheme 2023. Collection method: clinical testing. Allele origin: germline.

Labcorp Genetics (formerly Invitae), Labcorp
Classification: Uncertain significance for Medium-chain acyl-coenzyme A dehydrogenase deficiency. Last evaluated: 2022-08-16. Review status: criteria provided, single submitter. Criteria: Invitae Variant Classification Sherloc (09022015). Collection method: clinical testing. Allele origin: germline.
Comment: This sequence change replaces glycine, which is neutral and non-polar, with glutamic acid, which is acidic and polar, at codon 6 of the ACADM protein (p.Gly6Glu). The frequency data for this variant in the population databases is considered unreliable, as metrics indicate poor data quality at this position in the gnomAD database. This variant has not been reported in the literature in individuals affected with ACADM-related conditions. Advanced modeling of protein sequence and biophysical properties (such as structural, functional, and spatial information, amino acid conservation, physicochemical variation, residue mobility, and thermodynamic stability) performed at Invitae indicates that this missense variant is not expected to disrupt ACADM protein function. In summary, the available evidence is currently insufficient to determine the role of this variant in disease. Therefore, it has been classified as a Variant of Uncertain Significance.

NM_000016.6(ACADM):c.17G>A (p.Gly6Glu)

Gene: ACADM (acyl-CoA dehydrogenase medium chain; plus strand). Cytogenetic location: 1p31.1.
Variant type: single nucleotide variant.
Coding change: c.17G>A on transcript NM_000016.6 (MANE Select); coding-DNA position 17, G replaced by A.
Protein change: p.Gly6Glu; replaces glycine 6 with glutamic acid.
Molecular consequence: missense variant. On other transcripts: 5 prime UTR variant (2).
Genome position (GRCh38, 1-based): chr1:75,724,804, G>A. VCF-style: chr1-75724804-G-A. GRCh37 (hg19) VCF-style: chr1-76190489-G-A.
Other names: c.17G>A (NM_000016.4); c.17G>A, p.Gly6Glu (NM_001127328.3, NM_001286043.2); c.-4G>A (NM_001286042.2); c.-281G>A (NM_001286044.2); short protein forms G6E.
Identifiers: ClinVar variation 1999030 (VCV001999030.2), dbSNP rs372088389, ClinGen allele CA912892.